The following is an entry in ClinVar:

ClinVar aggregate classification (germline): Likely benign. Review status: criteria provided, single submitter (1 of 4 stars). 2 submissions from 2 submitters: Likely benign (1). 1 of the submissions does not count toward it. Last evaluated 2024-02-23.

Conditions:
PUS3-related disorder. Also called: PUS3-related condition.

Allele frequency attached by ClinVar (database versions not stated): gnomAD exomes 0.00002 and 0.00004; TOPMed 0.00002; ExAC 0.00005.
gnomAD v4.1: 10 of 1,613,998 alleles (0.00062%); highest among the groups gnomAD compares: Admixed American, 0.013%; no homozygotes.

Submissions (2):

Labcorp Genetics (formerly Invitae), Labcorp
Classification: Likely benign. Last evaluated: 2024-02-23. Review status: criteria provided, single submitter. Criteria: Invitae Variant Classification Sherloc (09022015). Collection method: clinical testing. Allele origin: germline.

PreventionGenetics, part of Exact Sciences
Classification: Likely benign for PUS3-related condition. Last evaluated: 2019-06-05. Review status: no assertion criteria provided. Collection method: clinical testing. Allele origin: germline. Not counted in ClinVar's aggregate classification.
Comment: This variant is classified as likely benign based on ACMG/AMP sequence variant interpretation guidelines (Richards et al. 2015 PMID: 25741868, with internal and published modifications).

NM_031307.4(PUS3):c.1122A>C (p.Val374=)

Genes: HYLS1 (HYLS1 centriolar and ciliogenesis associated; plus strand), PUS3 (pseudouridine synthase 3; minus strand). Cytogenetic location: 11q24.2.
Variant type: single nucleotide variant.
Coding change: c.1122A>C on transcript NM_031307.4 (MANE Select); coding-DNA position 1122, A replaced by C.
Protein change: p.Val374=; no amino-acid change (valine 374 retained).
Molecular consequence: synonymous variant. On other transcripts: intron variant (5).
Genome position (GRCh38, 1-based): chr11:125,894,109, T>G on the plus strand (A>C on the coding strand, the complement: PUS3 is on the minus strand). VCF-style: chr11-125894109-T-G. GRCh37 (hg19) VCF-style: chr11-125764004-T-G.
Other names: c.498A>C, p.Val166= (NM_001271985.2); c.-81+2637T>G (NM_145014.3); c.-26+2637T>G (NM_001134793.2); c.-23+2637T>G (NM_001424364.1); c.-25-5235T>G (NM_001377269.1); c.-22-5238T>G (NM_001377270.1).
Identifiers: ClinVar variation 1596292 (VCV001596292.10), dbSNP rs753016462, ClinGen allele CA6350383.
Genomic context (GRCh38, chr11:125,894,109, plus strand): 5'-AGAGGGCTTAACATTTCCCCATTCTGTCATTCCATCCATCTTTGGTCCTATTCCACAGGG[T>G]ACTGGAACAGTGTCCAGTCCTTGTAGCATACTATACAACATGTGAGTTTTGACAGCATGA-3'
Protein context (NP_112597.4, residues 364-384): SMLQGLDTVP[Val374=]PCGIGPKMDG